The following is an entry in ClinVar:

ClinVar aggregate classification (germline): Uncertain significance (1 of 4 stars; one submission).

Allele frequency attached by ClinVar (database versions not stated): gnomAD exomes below 0.00001; ExAC 0.00001.
gnomAD v4.1: 3 of 1,614,220 alleles (0.00019%); highest among the groups gnomAD compares: East Asian, 0.0022%; no homozygotes.

Submission:

Ambry Genetics
Classification: Uncertain significance. Last evaluated: 2022-02-07. Review status: criteria provided, single submitter. Criteria: Ambry Variant Classification Scheme 2023. Collection method: clinical testing. Allele origin: germline.
Comment: The p.S192N variant (also known as c.575G>A), located in coding exon 1 of the PALLD gene, results from a G to A substitution at nucleotide position 575. The serine at codon 192 is replaced by asparagine, an amino acid with highly similar properties. This amino acid position is conserved. In addition, this alteration is predicted to be tolerated by in silico analysis. Since supporting evidence is limited at this time, the clinical significance of this alteration remains unclear.

NM_001166108.2(PALLD):c.575G>A (p.Ser192Asn)

Gene: PALLD (palladin, cytoskeletal associated protein; plus strand). Cytogenetic location: 4q32.3.
Variant type: single nucleotide variant.
Coding change: c.575G>A on transcript NM_001166108.2 (MANE Select); coding-DNA position 575, G replaced by A.
Protein change: p.Ser192Asn; replaces serine 192 with asparagine.
Molecular consequence: missense variant.
Genome position (GRCh38, 1-based): chr4:168,512,079, G>A. VCF-style: chr4-168512079-G-A. GRCh37 (hg19) VCF-style: chr4-169433230-G-A.
Other names: c.575G>A, p.Ser192Asn (NM_016081.4); short protein forms S192N.
Identifiers: ClinVar variation 1749473 (VCV001749473.2), dbSNP rs781637854, ClinGen allele CA3135393.